The following is an entry in ClinVar:

ClinVar aggregate classification (germline): Uncertain significance (1 of 4 stars; one submission).

Conditions:
RFT1-congenital disorder of glycosylation (CDG1N). Also called: Congenital disorder of glycosylation type In; CDG In; RFT1-CDG. Identifiers: Orphanet 244310, MedGen C2677590, MONDO:0012783, OMIM 612015.

Allele frequency attached by ClinVar (database versions not stated): gnomAD exomes below 0.00001; gnomAD 0.00001; TOPMed 0.00001.
gnomAD v4.1: 3 of 1,614,140 alleles (0.00019%); highest among the groups gnomAD compares: South Asian, 0.0011%; no homozygotes.

Submission:

Labcorp Genetics (formerly Invitae), Labcorp
Classification: Uncertain significance for RFT1-congenital disorder of glycosylation. Last evaluated: 2021-08-05. Review status: criteria provided, single submitter. Criteria: Invitae Variant Classification Sherloc (09022015). Collection method: clinical testing. Allele origin: germline.
Comment: This sequence change replaces glycine with valine at codon 532 of the RFT1 protein (p.Gly532Val). The glycine residue is moderately conserved and there is a moderate physicochemical difference between glycine and valine. This variant is not present in population databases (ExAC no frequency). This variant has not been reported in the literature in individuals affected with RFT1-related conditions. Algorithms developed to predict the effect of missense changes on protein structure and function (SIFT, PolyPhen-2, Align-GVGD) all suggest that this variant is likely to be tolerated. In summary, the available evidence is currently insufficient to determine the role of this variant in disease. Therefore, it has been classified as a Variant of Uncertain Significance.

NM_052859.4(RFT1):c.1595G>T (p.Gly532Val)

Gene: RFT1 (RFT1 glycolipid translocator homolog; minus strand). Cytogenetic location: 3p21.1.
Variant type: single nucleotide variant.
Coding change: c.1595G>T on transcript NM_052859.4 (MANE Select); coding-DNA position 1595, G replaced by T.
Protein change: p.Gly532Val; replaces glycine 532 with valine.
Molecular consequence: missense variant.
Genome position (GRCh38, 1-based): chr3:53,091,934, C>A on the plus strand (G>T on the coding strand, the complement: RFT1 is on the minus strand). VCF-style: chr3-53091934-C-A. GRCh37 (hg19) VCF-style: chr3-53125950-C-A.
Other names: short protein forms G532V.
Identifiers: ClinVar variation 1358165 (VCV001358165.6), dbSNP rs1701001018, ClinGen allele CA353225718.